The following is an entry in ClinVar:

NM_001350451.2(RBFOX3):c.126G>T (p.Glu42Asp)

Gene: RBFOX3 (RNA binding fox-1 homolog 3; minus strand). Cytogenetic location: 17q25.3.
Variant type: single nucleotide variant.
Coding change: c.126G>T on transcript NM_001350451.2 (MANE Select); coding-DNA position 126, G replaced by T.
Protein change: p.Glu42Asp; replaces glutamic acid 42 with aspartic acid.
Molecular consequence: missense variant.
Genome position (GRCh38, 1-based): chr17:79,115,590, C>A on the plus strand (G>T on the coding strand, the complement: RBFOX3 is on the minus strand). VCF-style: chr17-79115590-C-A. GRCh37 (hg19) VCF-style: chr17-77111672-C-A.
Other names: c.126G>T, p.Glu42Asp (NM_001082575.3, NM_001350453.2, NM_001385804.1 and 43 more transcripts); short protein forms E42D.
Identifiers: ClinVar variation 1465264 (VCV001465264.8), dbSNP rs1412372562, ClinGen allele CA401318041.

ClinVar aggregate classification (germline): Uncertain significance (1 of 4 stars; one submission).

Conditions:
Idiopathic generalized epilepsy. Also called: Generalised epilepsy; EIG. Identifiers: MedGen C0270850, MONDO:0005579, OMIM 600669.

Allele frequency attached by ClinVar (database versions not stated): gnomAD exomes below 0.00001.
gnomAD v4.1: 7 of 1,429,798 alleles (0.00049%); highest among the groups gnomAD compares: Non-Finnish European, 0.00055%; no homozygotes.

Submission:

Labcorp Genetics (formerly Invitae), Labcorp
Classification: Uncertain significance for Idiopathic generalized epilepsy. Last evaluated: 2022-07-05. Review status: criteria provided, single submitter. Criteria: Invitae Variant Classification Sherloc (09022015). Collection method: clinical testing. Allele origin: germline.
Comment: This sequence change replaces glutamic acid, which is acidic and polar, with aspartic acid, which is acidic and polar, at codon 42 of the RBFOX3 protein (p.Glu42Asp). This variant is not present in population databases (gnomAD no frequency). In summary, the available evidence is currently insufficient to determine the role of this variant in disease. Therefore, it has been classified as a Variant of Uncertain Significance. Algorithms developed to predict the effect of missense changes on protein structure and function (SIFT, PolyPhen-2, Align-GVGD) all suggest that this variant is likely to be tolerated. ClinVar contains an entry for this variant (Variation ID: 1465264). This variant has not been reported in the literature in individuals affected with RBFOX3-related conditions.